The following is an entry in ClinVar:

NM_000071.3(CBS):c.1108T>C (p.Cys370Arg)

Gene: CBS (cystathionine beta-synthase; minus strand). Cytogenetic location: 21q22.3.
Variant type: single nucleotide variant.
Coding change: c.1108T>C on transcript NM_000071.3 (MANE Select); coding-DNA position 1108, T replaced by C.
Protein change: p.Cys370Arg; replaces cysteine 370 with arginine.
Molecular consequence: missense variant.
Genome position (GRCh38, 1-based): chr21:43,060,478, A>G on the plus strand (T>C on the coding strand, the complement: CBS is on the minus strand). VCF-style: chr21-43060478-A-G. GRCh37 (hg19) VCF-style: chr21-44480588-A-G.
Other names: c.1108T>C, p.Cys370Arg (NM_001178008.3, NM_001178009.3, NM_001320298.2); c.793T>C, p.Cys265Arg (NM_001321072.1); short protein forms C265R, C370R.
Identifiers: ClinVar variation 2146085 (VCV002146085.4), dbSNP rs1192694513, ClinGen allele CA410398046.

ClinVar aggregate classification (germline): Uncertain significance (1 of 4 stars; one submission).

Conditions:
HYPERHOMOCYSTEINEMIA, THROMBOTIC, CBS-RELATED. Identifiers: MedGen C3150344, OMIM 236200.

Submission:

Labcorp Genetics (formerly Invitae), Labcorp
Classification: Uncertain significance for HYPERHOMOCYSTEINEMIA, THROMBOTIC, CBS-RELATED. Last evaluated: 2023-11-08. Review status: criteria provided, single submitter. Criteria: Invitae Variant Classification Sherloc (09022015). Collection method: clinical testing. Allele origin: germline.
Comment: This sequence change replaces cysteine, which is neutral and slightly polar, with arginine, which is basic and polar, at codon 370 of the CBS protein (p.Cys370Arg). This variant is present in population databases (no rsID available, gnomAD 0.01%). This variant has not been reported in the literature in individuals affected with CBS-related conditions. ClinVar contains an entry for this variant (Variation ID: 2146085). Advanced modeling of protein sequence and biophysical properties (such as structural, functional, and spatial information, amino acid conservation, physicochemical variation, residue mobility, and thermodynamic stability) performed at Invitae indicates that this missense variant is expected to disrupt CBS protein function with a positive predictive value of 95%. In summary, the available evidence is currently insufficient to determine the role of this variant in disease. Therefore, it has been classified as a Variant of Uncertain Significance.